The following is an entry in ClinVar:

ClinVar aggregate classification (germline): Pathogenic (1 of 4 stars; one submission).

Submission:

Labcorp Genetics (formerly Invitae), Labcorp
Classification: Pathogenic. Last evaluated: 2023-03-26. Review status: criteria provided, single submitter. Criteria: Invitae Variant Classification Sherloc (09022015). Collection method: clinical testing. Allele origin: germline.
Comment: This variant has not been reported in the literature in individuals affected with ESCO2-related conditions. For these reasons, this variant has been classified as Pathogenic. This variant is not present in population databases (gnomAD no frequency). This sequence change creates a premature translational stop signal (p.Thr318Glnfs*23) in the ESCO2 gene. It is expected to result in an absent or disrupted protein product. Loss-of-function variants in ESCO2 are known to be pathogenic (PMID: 15821733, 16380922).

Literature cited by the submitters: PubMed 15821733; PubMed 16380922.

NM_001017420.3(ESCO2):c.952del (p.Thr318fs)

Gene: ESCO2 (establishment of sister chromatid cohesion N-acetyltransferase 2; plus strand). Cytogenetic location: 8p21.1.
Variant type: Deletion.
Coding change: c.952del on transcript NM_001017420.3 (MANE Select); coding-DNA position 952, one base deleted (A; older notation c.952delA).
Protein change: p.Thr318fs; shifts the reading frame from threonine 318.
Molecular consequence: frameshift variant.
Genome position (GRCh38, 1-based): chr8:27,780,264, A deleted. VCF-style (leftmost placement, unchanged base first): chr8-27780263-GA-G. GRCh37 (hg19) VCF-style: chr8-27637780-GA-G.
Other names: short protein forms T318fs.
Identifiers: ClinVar variation 2849535 (VCV002849535.3), dbSNP rs2486637516, ClinGen allele CA2739279261.
Genomic context (GRCh38, chr8:27,780,263, plus strand): 5'-GGAACATAAAGTTGATAAAAATGAGGCTTTTTCTTCAGAGGATTCTCTTGGTGAGAATAA[GA>G]CAAGTAAGAGAAAACTCGCATGAATTTAGCTGCTTAAAATAATGCTTTATTACATACATT-3'